The following is an entry in ClinVar:

ClinVar aggregate classification (germline): Uncertain significance. Review status: criteria provided, multiple submitters, no conflicts (2 of 4 stars). 2 submissions from 2 submitters: Uncertain significance (2). Last evaluated 2026-09-02.

Conditions:
Inborn genetic diseases. Identifiers: MedGen C0950123, MeSH D030342.

Submissions (2):

Ambry Genetics
Classification: Uncertain significance for Inborn genetic diseases. Last evaluated: 2026-09-02. Review status: criteria provided, single submitter. Criteria: Ambry Variant Classification Scheme 2023. Collection method: clinical testing. Allele origin: germline.

Labcorp Genetics (formerly Invitae), Labcorp
Classification: Uncertain significance. Last evaluated: 2023-06-06. Review status: criteria provided, single submitter. Criteria: Invitae Variant Classification Sherloc (09022015). Collection method: clinical testing. Allele origin: germline.
Comment: In summary, the available evidence is currently insufficient to determine the role of this variant in disease. Therefore, it has been classified as a Variant of Uncertain Significance. Advanced modeling of protein sequence and biophysical properties (such as structural, functional, and spatial information, amino acid conservation, physicochemical variation, residue mobility, and thermodynamic stability) performed at Invitae indicates that this missense variant is not expected to disrupt ALAS2 protein function. This variant has not been reported in the literature in individuals affected with ALAS2-related conditions. This variant is not present in population databases (gnomAD no frequency). This sequence change replaces serine, which is neutral and polar, with asparagine, which is neutral and polar, at codon 111 of the ALAS2 protein (p.Ser111Asn).

NM_000032.5(ALAS2):c.332G>A (p.Ser111Asn)

Genes: ALAS2 (5'-aminolevulinate synthase 2; minus strand), LOC108663984 (ALAS2 intron 1 and 3 erythroid regulatory elements; plus strand). Cytogenetic location: Xp11.21.
Variant type: single nucleotide variant.
Coding change: c.332G>A on transcript NM_000032.5 (MANE Select); coding-DNA position 332, G replaced by A.
Protein change: p.Ser111Asn; replaces serine 111 with asparagine.
Molecular consequence: missense variant. On other transcripts: intron variant (2).
Genome position (GRCh38, 1-based): chrX:55,023,840, C>T on the plus strand (G>A on the coding strand, the complement: ALAS2 is on the minus strand). VCF-style: chrX-55023840-C-T. GRCh37 (hg19) VCF-style: chrX-55050273-C-T.
Other names: c.304+878G>A (NM_001037967.4); c.332G>A (NM_000032.4); c.376+878G>A (NM_001037968.4); short protein forms S111N.
Identifiers: ClinVar variation 2987273 (VCV002987273.4), dbSNP rs2519591115, ClinGen allele CA413296076.